The following is an entry in ClinVar:

ClinVar aggregate classification (germline): Uncertain significance. Review status: criteria provided, multiple submitters, no conflicts (2 of 4 stars). 2 submissions from 2 submitters: Uncertain significance (2). Last evaluated 2026-01-19.

Conditions:
Hereditary cancer-predisposing syndrome. Also called: Neoplastic Syndromes, Hereditary; Tumor predisposition; Hereditary Cancer Syndrome; Hereditary neoplastic syndrome. Identifiers: Orphanet 140162, MedGen C0027672, MeSH D009386, MONDO:0015356.
Gastrointestinal stromal tumor. Also called: Gastrointestinal stromal tumor, somatic; Gastrointestinal stroma tumor. Identifiers: Orphanet 44890, MedGen C0238198, MeSH D046152, MONDO:0011719, OMIM 606764, HP:0100723.

Allele frequency attached by ClinVar (database versions not stated): gnomAD 0.00001.
gnomAD v4.1: 1 of 1,613,714 alleles (0.000062%); highest among the groups gnomAD compares: Non-Finnish European, 0.000085%; no homozygotes.

Submissions (2):

Ambry Genetics
Classification: Uncertain significance for Hereditary cancer-predisposing syndrome. Last evaluated: 2026-01-19. Review status: criteria provided, single submitter. Criteria: Ambry Variant Classification Scheme 2023. Collection method: clinical testing. Allele origin: germline.
Comment: The p.Q1010E variant (also known as c.3028C>G), located in coding exon 21 of the PDGFRA gene, results from a C to G substitution at nucleotide position 3028. The glutamine at codon 1010 is replaced by glutamic acid, an amino acid with highly similar properties. This amino acid position is conserved. In addition, the in silico prediction for this alteration is inconclusive. Based on the available evidence, the clinical significance of this variant remains unclear.

Labcorp Genetics (formerly Invitae), Labcorp
Classification: Uncertain significance for Gastrointestinal stromal tumor. Last evaluated: 2023-02-14. Review status: criteria provided, single submitter. Criteria: Invitae Variant Classification Sherloc (09022015). Collection method: clinical testing. Allele origin: germline.
Comment: In summary, the available evidence is currently insufficient to determine the role of this variant in disease. Therefore, it has been classified as a Variant of Uncertain Significance. Algorithms developed to predict the effect of missense changes on protein structure and function are either unavailable or do not agree on the potential impact of this missense change (SIFT: "Deleterious"; PolyPhen-2: "Probably Damaging"; Align-GVGD: "Class C0"). This variant has not been reported in the literature in individuals affected with PDGFRA-related conditions. This variant is not present in population databases (gnomAD no frequency). This sequence change replaces glutamine, which is neutral and polar, with glutamic acid, which is acidic and polar, at codon 1010 of the PDGFRA protein (p.Gln1010Glu).

NM_006206.6(PDGFRA):c.3028C>G (p.Gln1010Glu)

Gene: PDGFRA (platelet derived growth factor receptor alpha; plus strand). Cytogenetic location: 4q12.
Variant type: single nucleotide variant.
Coding change: c.3028C>G on transcript NM_006206.6 (MANE Select); coding-DNA position 3028, C replaced by G.
Protein change: p.Gln1010Glu; replaces glutamine 1010 with glutamic acid.
Molecular consequence: missense variant.
Genome position (GRCh38, 1-based): chr4:54,290,460, C>G. VCF-style: chr4-54290460-C-G. GRCh37 (hg19) VCF-style: chr4-55156627-C-G.
Other names: c.3103C>G, p.Gln1035Glu (NM_001347828.2); c.3028C>G, p.Gln1010Glu (NM_001347829.2); c.3067C>G, p.Gln1023Glu (NM_001347830.2); short protein forms Q1023E, Q1010E, Q1035E.
Identifiers: ClinVar variation 2837251 (VCV002837251.4), dbSNP rs1247175258, ClinGen allele CA356896223.